The following is an entry in ClinVar:

ClinVar aggregate classification (germline): Uncertain significance (1 of 4 stars; one submission).

Allele frequency attached by ClinVar (database versions not stated): ExAC 0.00001; gnomAD exomes 0.00002; TOPMed 0.00003; gnomAD 0.00004.
gnomAD v4.1: 22 of 1,613,230 alleles (0.0014%); highest among the groups gnomAD compares: Non-Finnish European, 0.0018%; no homozygotes.

Submission:

Labcorp Genetics (formerly Invitae), Labcorp
Classification: Uncertain significance. Last evaluated: 2025-03-31. Review status: criteria provided, single submitter. Criteria: Invitae Variant Classification Sherloc (09022015). Collection method: clinical testing. Allele origin: germline.
Comment: This sequence change creates a premature translational stop signal (p.Tyr1996*) in the IGSF10 gene. While this is not anticipated to result in nonsense mediated decay, it is expected to disrupt the last 628 amino acid(s) of the IGSF10 protein. This variant is present in population databases (rs777237629, gnomAD 0.004%). This variant has not been reported in the literature in individuals affected with IGSF10-related conditions. ClinVar contains an entry for this variant (Variation ID: 1500871). Experimental studies and prediction algorithms are not available or were not evaluated, and the functional significance of this variant is currently unknown. In summary, the available evidence is currently insufficient to determine the role of this variant in disease. Therefore, it has been classified as a Variant of Uncertain Significance.

NM_178822.5(IGSF10):c.5988C>A (p.Tyr1996Ter)

Gene: IGSF10 (immunoglobulin superfamily member 10; minus strand). Cytogenetic location: 3q25.1.
Variant type: single nucleotide variant.
Coding change: c.5988C>A on transcript NM_178822.5 (MANE Select); coding-DNA position 5988, C replaced by A.
Protein change: p.Tyr1996Ter; replaces tyrosine 1996 with a stop codon.
Molecular consequence: nonsense. On other transcripts: 5 prime UTR variant (2).
Genome position (GRCh38, 1-based): chr3:151,438,573, G>T on the plus strand (C>A on the coding strand, the complement: IGSF10 is on the minus strand). VCF-style: chr3-151438573-G-T. GRCh37 (hg19) VCF-style: chr3-151156361-G-T.
Other names: c.-76C>A (NM_001178145.3, NM_001178146.3); c.5988C>A, p.Tyr1996Ter (NM_001385060.1, NM_001385061.1, NM_001385062.1 and 1 more transcripts); short protein forms Y1996*.
Identifiers: ClinVar variation 1500871 (VCV001500871.6), dbSNP rs777237629, ClinGen allele CA2669608.
Genomic context (GRCh38, chr3:151,438,573, plus strand): 5'-ACACAAGTAGACACCACTGTCTTTTTCTGTTACTGATCCAATAAACAGGGATCCATTAGG[G>T]TAGACGTGGATCCAGCTGCCCACTCTAAGGAGAAAAGAGATTCATTTGAGTGTGCAGCTG-3'